The following is an entry in ClinVar:

NM_001042492.3(NF1):c.586delinsTTAA (p.Glu196delinsLeuLys)

Gene: NF1 (neurofibromin 1; plus strand). Cytogenetic location: 17q11.2.
Variant type: Indel.
Coding change: c.586delinsTTAA on transcript NM_001042492.3 (MANE Select); coding-DNA position 586, G replaced by TTAA.
Protein change: p.Glu196delinsLeuLys.
Molecular consequence: inframe indel.
Genome position (GRCh38, 1-based): chr17:31,169,997, G replaced by TTAA. VCF-style: chr17-31169997-G-TTAA. GRCh37 (hg19) VCF-style: chr17-29497015-G-TTAA.
Other names: c.586delGinsTTAA, p.Glu196delinsLeuLys (NM_000267.4); c.586delinsTTAA, p.Glu196delinsLeuLys (NM_001128147.3); c.586delGinsTTAA (NM_000267.3).
Identifiers: ClinVar variation 449981 (VCV000449981.2), dbSNP rs1555607123, ClinGen allele CA658658584.

ClinVar aggregate classification (germline): Likely pathogenic (1 of 4 stars; one submission).

Submission:

GeneDx
Classification: Likely pathogenic. Last evaluated: 2017-10-13. Review status: criteria provided, single submitter. Criteria: GeneDx Variant Classification (06012015). Collection method: clinical testing. Allele origin: germline. Affected: yes.
Comment: The c.586delGinsTTAA variant has not been published as a pathogenic variant, nor has it been reported as a benign variant to our knowledge. This variant results in the in-frame replacement of one correct amino acid with two incorrect amino acids. The variant is not observed in large population cohorts (Lek et al., 2016; 1000 Genomes Consortium et al., 2015; Exome Variant Server). This variant occurs at a position that is conserved across species. Several in silico splice prediction models predict that c.586delGinsTTAA destroys the natural splice donor site for intron 5; however, the in silico models also predict the variant results in the creation of a new splice donor site with similar or equal strength. In the absence of RNA/functional studies, the actual effect of this sequence change in this individual is unknown. In summary, we consider this variant to be likely pathogenic.